The following is an entry in ClinVar:

NM_178857.6(RP1L1):c.253C>T (p.Arg85Trp)

Gene: RP1L1 (RP1 like 1). Cytogenetic location: 8p23.1.
Variant type: single nucleotide variant.
Coding change: c.253C>T on transcript NM_178857.6 (MANE Select); coding-DNA position 253, C replaced by T.
Protein change: p.Arg85Trp; replaces arginine 85 with tryptophan.
Molecular consequence: missense variant.
Genome position (GRCh38, 1-based): chr8:10,622,949, G>A on the plus strand (C>T on the coding strand, the complement: RP1L1 is on the minus strand). VCF-style: chr8-10622949-G-A. GRCh37 (hg19) VCF-style: chr8-10480459-G-A.
Other names: short protein forms R85W.
Identifiers: ClinVar variation 908814 (VCV000908814.13), dbSNP rs779469547, ClinGen allele CA4625792.

ClinVar aggregate classification (germline): Conflicting classifications of pathogenicity. Review status: criteria provided, conflicting classifications (1 of 4 stars). 4 submissions from 4 submitters: Uncertain significance (2); Benign (1); Likely benign (1). Last evaluated 2026-06-01.

Conditions:
Occult macular dystrophy (OCMD). Also called: OMD; OCCULT MACULAR DYSTROPHY, SUSCEPTIBILITY TO. Identifiers: Orphanet 247834, MedGen C3150833, MONDO:0013316, OMIM 613587, HP:0030636.
RP1L1-related disorder. Also called: RP1L1-related condition.

Allele frequency attached by ClinVar (database versions not stated): gnomAD 0.00004 and 0.00005; ExAC 0.00010; gnomAD exomes 0.00010; TOPMed 0.00012.
gnomAD v4.1: 191 of 1,613,982 alleles (0.012%); highest among the groups gnomAD compares: Middle Eastern, 0.082%; no homozygotes.

Submissions (4):

PreventionGenetics, part of Exact Sciences
Classification: Uncertain significance for RP1L1-related condition. Last evaluated: 2026-06-01. Review status: criteria provided, single submitter. Criteria: ACMG Guidelines, 2015. Collection method: clinical testing. Allele origin: germline.
Comment: The RP1L1 c.253C>T variant is predicted to result in the amino acid substitution p.Arg85Trp. To our knowledge, this variant has not been reported in the literature. This variant is reported in 0.020% of alleles in individuals of Latino descent in gnomAD. At this time, the clinical significance of this variant is uncertain due to the absence of conclusive functional and genetic evidence.

Labcorp Genetics (formerly Invitae), Labcorp
Classification: Likely benign. Last evaluated: 2025-11-12. Review status: criteria provided, single submitter. Criteria: Invitae Variant Classification Sherloc (09022015). Collection method: clinical testing. Allele origin: germline.

Blueprint Genetics
Classification: Uncertain significance. Last evaluated: 2024-09-30. Review status: criteria provided, single submitter. Criteria: ACMG Guidelines, 2015. Collection method: clinical testing. Allele origin: germline.

Illumina Laboratory Services, Illumina
Classification: Benign for Occult macular dystrophy. Last evaluated: 2018-01-13. Review status: criteria provided, single submitter. Criteria: ICSL Variant Classification Criteria 13 December 2019. Collection method: clinical testing. Allele origin: germline.
Comment: This variant was observed in the ICSL laboratory as part of a predisposition screen in an ostensibly healthy population. It had not been previously curated by ICSL or reported in the Human Gene Mutation Database (HGMD: prior to June 1st, 2018), and was therefore a candidate for classification through an automated scoring system. Utilizing variant allele frequency, disease prevalence and penetrance estimates, and inheritance mode, an automated score was calculated to assess if this variant is too frequent to cause the disease. Based on the score and internal cut-off values, a variant classified as benign is not then subjected to further curation. The score for this variant resulted in a classification of benign for this disease.